The following is an entry in ClinVar:

NM_032656.4(DHX37):c.2470G>A (p.Glu824Lys)

Gene: DHX37 (DEAH-box helicase 37; minus strand). Cytogenetic location: 12q24.31.
Variant type: single nucleotide variant.
Coding change: c.2470G>A on transcript NM_032656.4 (MANE Select); coding-DNA position 2470, G replaced by A.
Protein change: p.Glu824Lys; replaces glutamic acid 824 with lysine.
Molecular consequence: missense variant.
Genome position (GRCh38, 1-based): chr12:124,954,195, C>T on the plus strand (G>A on the coding strand, the complement: DHX37 is on the minus strand). VCF-style: chr12-124954195-C-T. GRCh37 (hg19) VCF-style: chr12-125438741-C-T.
Other names: c.2470G>A (NM_032656.3); short protein forms E824K.
Identifiers: ClinVar variation 2912153 (VCV002912153.5), dbSNP rs199924927, ClinGen allele CA6871621.

ClinVar aggregate classification (germline): Uncertain significance. Review status: criteria provided, multiple submitters, no conflicts (2 of 4 stars). 2 submissions from 2 submitters: Uncertain significance (2). Last evaluated 2025-06-07.

Conditions:
Inborn genetic diseases. Identifiers: MedGen C0950123, MeSH D030342.

Allele frequency attached by ClinVar (database versions not stated): ExAC 0.00004; gnomAD exomes 0.00004; gnomAD 0.00005; TOPMed 0.00005.
gnomAD v4.1: 77 of 1,601,096 alleles (0.0048%); highest among the groups gnomAD compares: Middle Eastern, 0.1%; no homozygotes.

Submissions (2):

Ambry Genetics
Classification: Uncertain significance for Inborn genetic diseases. Last evaluated: 2025-06-07. Review status: criteria provided, single submitter. Criteria: Ambry Variant Classification Scheme 2023. Collection method: clinical testing. Allele origin: germline.

Labcorp Genetics (formerly Invitae), Labcorp
Classification: Uncertain significance. Last evaluated: 2024-06-06. Review status: criteria provided, single submitter. Criteria: Invitae Variant Classification Sherloc (09022015). Collection method: clinical testing. Allele origin: germline.
Comment: This sequence change replaces glutamic acid, which is acidic and polar, with lysine, which is basic and polar, at codon 824 of the DHX37 protein (p.Glu824Lys). This variant is present in population databases (rs199924927, gnomAD 0.06%). This variant has not been reported in the literature in individuals affected with DHX37-related conditions. Advanced modeling of protein sequence and biophysical properties (such as structural, functional, and spatial information, amino acid conservation, physicochemical variation, residue mobility, and thermodynamic stability) performed at Invitae indicates that this missense variant is not expected to disrupt DHX37 protein function with a negative predictive value of 80%. In summary, the available evidence is currently insufficient to determine the role of this variant in disease. Therefore, it has been classified as a Variant of Uncertain Significance.